The following is an entry in ClinVar:

ClinVar aggregate classification (germline): Likely pathogenic (1 of 4 stars; one submission).

Conditions:
Glycogen storage disease IXb (GSD9B). Also called: GLYCOGENOSIS OF LIVER AND MUSCLE, AUTOSOMAL RECESSIVE; GSD IXb; PHOSPHORYLASE KINASE DEFICIENCY OF LIVER AND MUSCLE, AUTOSOMAL RECESSIVE. Identifiers: Orphanet 79240, MedGen C0543514, MONDO:0009868, OMIM 261750.

gnomAD v4.1: 1 of 1,606,298 alleles (0.000062%); highest among the groups gnomAD compares: Non-Finnish European, 0.000085%; no homozygotes.

Submission:

First Genomix Gene Laboratory, Genetic Diagnostics Department
Classification: Likely pathogenic for Glycogen storage disease IXb. Last evaluated: 2025-01-17. Review status: criteria provided, single submitter. Criteria: ACMG Guidelines, 2015. Collection method: clinical testing. Allele origin: germline. Inheritance: Autosomal recessive inheritance. Affected: no. Observed: 1 variant allele.

NM_000293.3(PHKB):c.774+1G>T

Gene: PHKB (phosphorylase kinase regulatory subunit beta; plus strand). Cytogenetic location: 16q12.1.
Variant type: single nucleotide variant.
Coding change: c.774+1G>T on transcript NM_000293.3 (MANE Select); the canonical splice donor site of the intron after coding-DNA position 774, G replaced by T.
Molecular consequence: splice donor variant.
Genome position (GRCh38, 1-based): chr16:47,580,359, G>T. VCF-style: chr16-47580359-G-T. GRCh37 (hg19) VCF-style: chr16-47614270-G-T.
Other names: c.774+1G>T (NM_001363837.1); c.753+1G>T (NM_001031835.3).
Identifiers: ClinVar variation 4845710 (VCV004845710.1).